The following is an entry in ClinVar:

NM_145200.5(CABP4):c.*963C>T

Gene: CABP4 (calcium binding protein 4; plus strand). Cytogenetic location: 11q13.2.
Variant type: single nucleotide variant.
Coding change: c.*963C>T on transcript NM_145200.5 (MANE Select); 963 bases downstream of the stop codon, C replaced by T.
Molecular consequence: 3 prime UTR variant. On other transcripts: non-coding transcript variant (1).
Genome position (GRCh38, 1-based): chr11:67,459,622, C>T. VCF-style: chr11-67459622-C-T. GRCh37 (hg19) VCF-style: chr11-67227093-C-T.
Other names: c.*963C>T (NM_001300895.3, NM_001300896.3, NM_001379183.1).
Identifiers: ClinVar variation 305672 (VCV000305672.5), dbSNP rs76060170, ClinGen allele CA10639860.

ClinVar aggregate classification (germline): Benign (1 of 4 stars; one submission).

Conditions:
Cone-rod synaptic disorder, congenital nonprogressive. Also called: NIGHT BLINDNESS, CONGENITAL STATIONARY, INCOMPLETE, AUTOSOMAL RECESSIVE. Identifiers: Orphanet 215, MedGen C4041558, MONDO:0012490, OMIM 610427.

Allele frequency attached by ClinVar (database versions not stated): gnomAD 0.00637; TOPMed 0.00831; 1000 Genomes Project 30x 0.02124; 1000 Genomes Project 0.02256.

Submission:

Illumina Laboratory Services, Illumina
Classification: Benign for Cone-rod synaptic disorder, congenital nonprogressive. Last evaluated: 2018-01-12. Review status: criteria provided, single submitter. Criteria: ICSL Variant Classification Criteria 13 December 2019. Collection method: clinical testing. Allele origin: germline.
Comment: This variant was observed in the ICSL laboratory as part of a predisposition screen in an ostensibly healthy population. It had not been previously curated by ICSL or reported in the Human Gene Mutation Database (HGMD: prior to June 1st, 2018), and was therefore a candidate for classification through an automated scoring system. Utilizing variant allele frequency, disease prevalence and penetrance estimates, and inheritance mode, an automated score was calculated to assess if this variant is too frequent to cause the disease. Based on the score and internal cut-off values, a variant classified as benign is not then subjected to further curation. The score for this variant resulted in a classification of benign for this disease.